The following is an entry in ClinVar:

ClinVar aggregate classification (germline): Pathogenic. Review status: criteria provided, single submitter (1 of 4 stars). 2 submissions from 2 submitters: Pathogenic (1). 1 of the submissions does not count toward it. Last evaluated 2022-11-25.

Conditions:
Charlevoix-Saguenay spastic ataxia (SACS). Also called: SPASTIC ATAXIA 6, AUTOSOMAL RECESSIVE; Spastic ataxia of Charlevoix-Saguenay; AUTOSOMAL RECESSIVE SPASTIC ATAXIA OF CHARLEVOIX-SAGUENAY. Identifiers: Orphanet 98, MedGen C1849140, MONDO:0010041, OMIM 270550.

Submissions (2):

Women's Health and Genetics/Laboratory Corporation of America, LabCorp
Classification: Pathogenic for Charlevoix-Saguenay spastic ataxia. Last evaluated: 2022-11-25. Review status: criteria provided, single submitter. Criteria: LabCorp Variant Classification Summary - May 2015. Collection method: clinical testing. Allele origin: germline.
Comment: Variant summary: SACS c.832C>T (p.Gln278X) results in a premature termination codon, predicted to cause a truncation of the encoded protein or absence of the protein due to nonsense mediated decay, which are commonly known mechanisms for disease. Truncations downstream of this position have been classified as pathogenic by our laboratory. The variant was absent in 251440 control chromosomes. c.832C>T has been reported in the literature in individuals affected with Autosomal Recessive Spastic Ataxia Of Charlevoix-Saguenay (example, Gazulla_2011). To our knowledge, no experimental evidence demonstrating an impact on protein function has been reported. One clinical diagnostic laboratory has submitted clinical-significance assessments for this variant to ClinVar after 2014 and classified the variant as likely pathogenic. Based on the evidence outlined above, the variant was classified as pathogenic.

Counsyl
Classification: Likely pathogenic for Charlevoix-Saguenay spastic ataxia. Last evaluated: 2017-04-04. Review status: no assertion criteria provided. Collection method: clinical testing. Allele origin: unknown. Not counted in ClinVar's aggregate classification.

Literature cited by the submitters: PubMed 21665375 (cited by Women's Health and Genetics/Laboratory Corporation of America, LabCorp); PubMed 21993619 (cited by Counsyl).

NM_014363.6(SACS):c.832C>T (p.Gln278Ter)

Gene: SACS (sacsin molecular chaperone; minus strand). Cytogenetic location: 13q12.12.
Variant type: single nucleotide variant.
Coding change: c.832C>T on transcript NM_014363.6 (MANE Select); coding-DNA position 832, C replaced by T.
Protein change: p.Gln278Ter; replaces glutamine 278 with a stop codon.
Molecular consequence: nonsense.
Genome position (GRCh38, 1-based): chr13:23,355,780, G>A on the plus strand (C>T on the coding strand, the complement: SACS is on the minus strand). VCF-style: chr13-23355780-G-A. GRCh37 (hg19) VCF-style: chr13-23929919-G-A.
Other names: c.391C>T, p.Gln131Ter (NM_001278055.2); short protein forms Q278*, Q131*.
Identifiers: ClinVar variation 551347 (VCV000551347.3), dbSNP rs1555254439, ClinGen allele CA387551048.